The following is an entry in ClinVar:

NM_005562.3(LAMC2):c.1904C>G (p.Ser635Ter)

Gene: LAMC2 (laminin subunit gamma 2; plus strand). Cytogenetic location: 1q25.3.
Variant type: single nucleotide variant.
Coding change: c.1904C>G on transcript NM_005562.3 (MANE Select); coding-DNA position 1904, C replaced by G.
Protein change: p.Ser635Ter; replaces serine 635 with a stop codon.
Molecular consequence: nonsense.
Genome position (GRCh38, 1-based): chr1:183,232,233, C>G. VCF-style: chr1-183232233-C-G. GRCh37 (hg19) VCF-style: chr1-183201368-C-G.
Other names: c.1904C>G, p.Ser635Ter (NM_018891.3); short protein forms S635*.
Identifiers: ClinVar variation 2627667 (VCV002627667.1), dbSNP rs2526088461, ClinGen allele CA343691570.

ClinVar aggregate classification (germline): Likely pathogenic (1 of 4 stars; one submission).

Conditions:
Junctional epidermolysis bullosa gravis of Herlitz. Also called: Herlitz-type junctional epidermolysis bullosa; Epidermolysis Bullosa Letalis; EPIDERMOLYSIS BULLOSA, JUNCTIONAL 1B, SEVERE; EPIDERMOLYSIS BULLOSA JUNCTIONALIS, HERLITZ TYPE; EPIDERMOLYSIS BULLOSA, JUNCTIONAL, HERLITZ-PEARSON TYPE; JEB-HERLITZ TYPE. Identifiers: Orphanet 79404, MedGen C0079683, MONDO:0009182, OMIM 226700.

Submission:

Neuberg Centre For Genomic Medicine, NCGM
Classification: Likely pathogenic for Junctional epidermolysis bullosa gravis of Herlitz. Review status: criteria provided, single submitter. Criteria: ACMG Guidelines, 2015. Collection method: clinical testing. Allele origin: germline. Inheritance: Autosomal recessive inheritance. Affected: yes.
Comment: The stop gained p.S635* in LAMC2 (NM_005562.3) has not been reported previously as a pathogenic variant nor as a benign variant, to our knowledge. The p.S635* variant is novel (not in any individuals) in gnomAD Exomes and is novel (not in any individuals) in 1000 Genomes. This variant is predicted to cause loss of normal protein function through protein truncation. Loss of function variants have been reported previously to be disease. For these reasons, this variant has been classified as Likely Pathogenic.